The following is an entry in ClinVar:

ClinVar aggregate classification (germline): Uncertain significance (1 of 4 stars; one submission).

Conditions:
Cardiovascular phenotype. Identifiers: MedGen CN230736.

Submission:

Ambry Genetics
Classification: Uncertain significance for Cardiovascular phenotype. Last evaluated: 2026-06-27. Review status: criteria provided, single submitter. Criteria: Ambry Variant Classification Scheme 2023. Collection method: clinical testing. Allele origin: germline.
Comment: The p.I389S variant (also known as c.1166T>G), located in coding exon 2 of the TNXB gene, results from a T to G substitution at nucleotide position 1166. The isoleucine at codon 389 is replaced by serine, an amino acid with dissimilar properties. This amino acid position is conserved. In addition, this alteration is predicted to be tolerated by in silico analysis. Based on the available evidence, the clinical significance of this variant remains unclear.

NM_001365276.2(TNXB):c.1166T>G (p.Ile389Ser)

Gene: TNXB (tenascin XB; minus strand). Cytogenetic location: 6p21.33.
Variant type: single nucleotide variant.
Coding change: c.1166T>G on transcript NM_001365276.2 (MANE Select); coding-DNA position 1166, T replaced by G.
Protein change: p.Ile389Ser; replaces isoleucine 389 with serine.
Molecular consequence: missense variant.
Genome position (GRCh38, 1-based): chr6:32,096,687, A>C on the plus strand (T>G on the coding strand, the complement: TNXB is on the minus strand). VCF-style: chr6-32096687-A-C. GRCh37 (hg19) VCF-style: chr6-32064464-A-C.
Other names: c.1166T>G, p.Ile389Ser (NM_001428335.1, NM_019105.8); short protein forms I389S.
Identifiers: ClinVar variation 5031012 (VCV005031012.1).
Genomic context (GRCh38, chr6:32,096,687, plus strand): 5'-TTGCAGTCGCCAGGGCAGCTGCGCACGCCGCAGTCGTCCCCGCTGTAGCCCGTGTCGCAA[A>C]TGCATTCGCCGTCCTCGCAGCGCCCGCGGCCCCGGCAGTCCCTCGGACATGTCCGCGTGC-3'
Protein context (NP_001352205.1, residues 379-399): GRGRCEDGEC[Ile389Ser]CDTGYSGDDC